The following is an entry in ClinVar:

ClinVar aggregate classification (germline): Uncertain significance (1 of 4 stars; one submission).

Conditions:
Vici syndrome (VICIS). Identifiers: Orphanet 1493, MedGen C1855772, MONDO:0009452, OMIM 242840.

Allele frequency attached by ClinVar (database versions not stated): TOPMed below 0.00001.
gnomAD v4.1: 1 of 1,613,284 alleles (0.000062%); no homozygotes.

Submission:

Labcorp Genetics (formerly Invitae), Labcorp
Classification: Uncertain significance for Vici syndrome. Last evaluated: 2022-05-30. Review status: criteria provided, single submitter. Criteria: Invitae Variant Classification Sherloc (09022015). Collection method: clinical testing. Allele origin: germline.
Comment: This sequence change replaces lysine, which is basic and polar, with arginine, which is basic and polar, at codon 1121 of the EPG5 protein (p.Lys1121Arg). This variant is not present in population databases (gnomAD no frequency). This variant has not been reported in the literature in individuals affected with EPG5-related conditions. Algorithms developed to predict the effect of missense changes on protein structure and function are either unavailable or do not agree on the potential impact of this missense change (SIFT: "Tolerated"; PolyPhen-2: "Probably Damaging"; Align-GVGD: "Class C0"). In summary, the available evidence is currently insufficient to determine the role of this variant in disease. Therefore, it has been classified as a Variant of Uncertain Significance.

NM_020964.3(EPG5):c.3362A>G (p.Lys1121Arg)

Gene: EPG5 (ectopic P-granules 5 autophagy tethering factor; minus strand). Cytogenetic location: 18q21.1.
Variant type: single nucleotide variant.
Coding change: c.3362A>G on transcript NM_020964.3 (MANE Select); coding-DNA position 3362, A replaced by G.
Protein change: p.Lys1121Arg; replaces lysine 1121 with arginine.
Molecular consequence: missense variant.
Genome position (GRCh38, 1-based): chr18:45,916,460, T>C on the plus strand (A>G on the coding strand, the complement: EPG5 is on the minus strand). VCF-style: chr18-45916460-T-C. GRCh37 (hg19) VCF-style: chr18-43496425-T-C.
Other names: c.3362A>G, p.Lys1121Arg (NM_001410858.1, NM_001410859.1); short protein forms K1121R.
Identifiers: ClinVar variation 2055809 (VCV002055809.1), dbSNP rs1177527928, ClinGen allele CA402342908.